The following is an entry in ClinVar:

NM_001031689.3(PLAA):c.844A>G (p.Asn282Asp)

Gene: PLAA (phospholipase A2 activating protein; minus strand). Cytogenetic location: 9p21.2.
Variant type: single nucleotide variant.
Coding change: c.844A>G on transcript NM_001031689.3 (MANE Select); coding-DNA position 844, A replaced by G.
Protein change: p.Asn282Asp; replaces asparagine 282 with aspartic acid.
Molecular consequence: missense variant.
Genome position (GRCh38, 1-based): chr9:26,925,850, T>C on the plus strand (A>G on the coding strand, the complement: PLAA is on the minus strand). VCF-style: chr9-26925850-T-C. GRCh37 (hg19) VCF-style: chr9-26925848-T-C.
Other names: c.844A>G, p.Asn282Asp (NM_001321546.2); short protein forms N282D.
Identifiers: ClinVar variation 1498655 (VCV001498655.3), dbSNP rs2131392267, ClinGen allele CA373133168.
Genomic context (GRCh38, chr9:26,925,850, plus strand): 5'-ATATAACATTTAATGATTGACTAGAATATAAATACCTCGCACCAACCACAATGTCACCAT[T>C]GTCGAGCACACAGCAGCACCATATAGACTGAGCTGGAAGTCGGATAGTTTGAGCACATTC-3'
Protein context (NP_001026859.1, residues 272-292): QSIWCCCVLD[Asn282Asp]GDIVVGASDG

ClinVar aggregate classification (germline): Uncertain significance (1 of 4 stars; one submission).

Allele frequency attached by ClinVar (database versions not stated): gnomAD exomes below 0.00001.
gnomAD v4.1: 1 of 1,614,082 alleles (0.000062%); highest among the groups gnomAD compares: South Asian, 0.0011%; no homozygotes.

Submission:

Labcorp Genetics (formerly Invitae), Labcorp
Classification: Uncertain significance. Last evaluated: 2021-12-02. Review status: criteria provided, single submitter. Criteria: Invitae Variant Classification Sherloc (09022015). Collection method: clinical testing. Allele origin: germline.
Comment: This sequence change replaces asparagine, which is neutral and polar, with aspartic acid, which is acidic and polar, at codon 282 of the PLAA protein (p.Asn282Asp). This variant is not present in population databases (gnomAD no frequency). This variant has not been reported in the literature in individuals affected with PLAA-related conditions. Algorithms developed to predict the effect of missense changes on protein structure and function are either unavailable or do not agree on the potential impact of this missense change (SIFT: "Deleterious"; PolyPhen-2: "Probably Damaging"; Align-GVGD: "Class C15"). In summary, the available evidence is currently insufficient to determine the role of this variant in disease. Therefore, it has been classified as a Variant of Uncertain Significance.